The following is an entry in ClinVar:

ClinVar aggregate classification (germline): Uncertain significance. Review status: criteria provided, multiple submitters, no conflicts (2 of 4 stars). 5 submissions from 5 submitters: Uncertain significance (5). Last evaluated 2025-09-26.

Conditions:
Central core myopathy (CMYO1A). Also called: CONGENITAL MYOPATHY 1A, AUTOSOMAL DOMINANT, WITH SUSCEPTIBILITY TO MALIGNANT HYPERTHERMIA; Central core disease; Myopathy, central fibrillar. Identifiers: Orphanet 597, MedGen C5830701, MONDO:0007294, OMIM 117000.
King Denborough syndrome (KDS). Identifiers: MedGen C1840365, MONDO:0020485, OMIM 619542.
Malignant hyperthermia, susceptibility to, 1 (MHS1). Also called: Anesthesia related hyperthermia; Malignant hyperpyrexia; Fulminating hyperpyrexia; Pharmacogenic myopathy; RYR1-Related Malignant Hyperthermia Susceptibility; Malignant hyperthermia suceptibility 1. Identifiers: Orphanet 423, MedGen C2930980, MONDO:0007783, OMIM 145600.
Congenital multicore myopathy with external ophthalmoplegia (CMYO1B). Also called: MULTICORE MYOPATHY; Minicore myopathy with external ophthalmoplegia; MULTIMINICORE DISEASE WITH EXTERNAL OPHTHALMOPLEGIA; Congenital myopathy 1B, autosomal recessive; Minicore myopathy. Identifiers: Orphanet 598, Orphanet 98905, MedGen C1850674, MONDO:0009712, OMIM 255320, HP:0003789.
RYR1-related disorder. Also called: RYR1-related condition; RYR1-related disorders. Identifiers: MedGen CN239331.

Allele frequency attached by ClinVar (database versions not stated): TOPMed below 0.00001; ExAC 0.00001; gnomAD 0.00001; gnomAD exomes 0.00001 and 0.00006.
gnomAD v4.1: 82 of 1,613,434 alleles (0.0051%); highest among the groups gnomAD compares: Non-Finnish European, 0.0069%; no homozygotes.

Submissions (5):

PreventionGenetics, part of Exact Sciences
Classification: Uncertain significance for RYR1-related condition. Last evaluated: 2025-09-26. Review status: criteria provided, single submitter. Criteria: ACMG Guidelines, 2015. Collection method: clinical testing. Allele origin: germline.
Comment: The RYR1 c.11329A>G variant is predicted to result in the amino acid substitution p.Met3777Val. To our knowledge, this variant has not been reported in the literature. This variant is reported in 0.0023% of alleles in individuals of European (Non-Finnish) descent in gnomAD. At this time, the clinical significance of this variant is uncertain due to the absence of conclusive functional and genetic evidence.

Revvity Omics, Revvity
Classification: Uncertain significance. Last evaluated: 2025-08-08. Review status: criteria provided, single submitter. Criteria: ACMG Guidelines, 2015. Collection method: clinical testing. Allele origin: germline.

Color Diagnostics, LLC DBA Color Health
Classification: Uncertain significance for Malignant hyperthermia, susceptibility to, 1. Last evaluated: 2024-04-25. Review status: criteria provided, single submitter. Criteria: ACMG Guidelines, 2015. Collection method: clinical testing. Allele origin: germline.
Comment: This missense variant replaces methionine with valine at codon 3777 of the RYR1 protein. Computational prediction is inconclusive regarding the impact of this variant on protein structure and function. To our knowledge, functional studies have not been reported for this variant. This variant has not been reported in individuals affected with RYR1-related disorders in the literature. This variant has been identified in 3/280958 chromosomes in the general population by the Genome Aggregation Database (gnomAD). The available evidence is insufficient to determine the role of this variant in disease conclusively. Therefore, this variant is classified as a Variant of Uncertain Significance.

Labcorp Genetics (formerly Invitae), Labcorp
Classification: Uncertain significance for RYR1-related disorder. Last evaluated: 2023-10-12. Review status: criteria provided, single submitter. Criteria: Invitae Variant Classification Sherloc (09022015). Collection method: clinical testing. Allele origin: germline.
Comment: This sequence change replaces methionine, which is neutral and non-polar, with valine, which is neutral and non-polar, at codon 3777 of the RYR1 protein (p.Met3777Val). This variant is present in population databases (rs767480684, gnomAD 0.002%). This variant has not been reported in the literature in individuals affected with RYR1-related conditions. ClinVar contains an entry for this variant (Variation ID: 849740). Advanced modeling of protein sequence and biophysical properties (such as structural, functional, and spatial information, amino acid conservation, physicochemical variation, residue mobility, and thermodynamic stability) performed at Invitae indicates that this missense variant is expected to disrupt RYR1 protein function. In summary, the available evidence is currently insufficient to determine the role of this variant in disease. Therefore, it has been classified as a Variant of Uncertain Significance.

Department of Pathology and Laboratory Medicine, Sinai Health System
Classification: Uncertain significance for Central core myopathy; Malignant hyperthermia, susceptibility to, 1; Congenital multicore myopathy with external ophthalmoplegia; King Denborough syndrome. Last evaluated: 2022-07-28. Review status: criteria provided, single submitter. Criteria: ACMG Guidelines, 2015. Collection method: research. Allele origin: germline.

NM_000540.3(RYR1):c.11329A>G (p.Met3777Val)

Gene: RYR1 (ryanodine receptor 1; plus strand). Cytogenetic location: 19q13.2.
Variant type: single nucleotide variant.
Coding change: c.11329A>G on transcript NM_000540.3 (MANE Select); coding-DNA position 11329, A replaced by G.
Protein change: p.Met3777Val; replaces methionine 3777 with valine.
Molecular consequence: missense variant.
Genome position (GRCh38, 1-based): chr19:38,534,789, A>G. VCF-style: chr19-38534789-A-G. GRCh37 (hg19) VCF-style: chr19-39025429-A-G.
Other names: c.11314A>G, p.Met3772Val (NM_001042723.2); short protein forms M3772V, M3777V.
Identifiers: ClinVar variation 849740 (VCV000849740.9), dbSNP rs767480684, ClinGen allele CA056727.
Genomic context (GRCh38, chr19:38,534,789, plus strand): 5'-ATGGAGAAGCAGAGGCTCTTGTACCAGCAAGCACGGCTGCACACCCGGGGGGCGGCCGAG[A>G]TGGTGCTGCAGATGATCAGTGCCTGCAAAGGTGCCCCTCACATGTGCACTGGACTCTTCC-3'
Protein context (NP_000531.2, residues 3767-3787): ARLHTRGAAE[Met3777Val]VLQMISACKG